The following is an entry in ClinVar:

ClinVar aggregate classification (germline): Pathogenic/Likely pathogenic. Review status: criteria provided, multiple submitters, no conflicts (2 of 4 stars). 25 submissions from 25 submitters: Pathogenic (22); Likely pathogenic (1). 2 of the submissions do not count toward it. Last evaluated 2026-07-05.

Conditions:
Inborn genetic diseases. Identifiers: MedGen C0950123, MeSH D030342.
Global developmental delay (DD). Also called: Cognitive delay. Identifiers: MedGen C0557874, HP:0001263. Disease mechanism: loss of function.
KBG syndrome (KBGS). Also called: ANKRD11-Related KBG Syndrome. Identifiers: Orphanet 2332, MedGen C0220687, MONDO:0007846, OMIM 148050.
ANKRD11-related disorder. Also called: ANKRD11-related condition.
Rare genetic intellectual disability. Identifiers: Orphanet 183757, MedGen C5680527.

Submissions 1 to 9 of 25:

Umrani?ye Training and Research Hospital
Classification: Pathogenic for KBG syndrome. Last evaluated: 2026-07-05. Review status: criteria provided, single submitter. Criteria: ACMG Guidelines, 2015. Collection method: clinical testing. Allele origin: germline. Inheritance: Autosomal dominant inheritance. Affected: yes.
Comment: PVS1, PM2

Broad Center for Mendelian Genomics, Broad Institute of MIT and Harvard
Classification: Pathogenic for KBG syndrome. Last evaluated: 2026-01-09. Review status: criteria provided, single submitter. Criteria: ACMG Guidelines, 2015. Collection method: research. Allele origin: germline. Inheritance: Autosomal dominant inheritance.
Comment: The heterozygous p.Glu800AsnfsTer62 variant in ANKRD11 was identified in 2 unrelated individuals with features of KBG syndrome via a collaborative study between the Broad Institute's Center for Mendelian Genomics and the NeuroDev Study. The p.Glu800AsnfsTer62 variant in ANKRD11 has been reported in 5 individuals with KBG syndrome (PMID: 25464108, 33955014, 35682590, 27605097, 35330407), segregated with disease in 3 affected relatives from 2 families (PMID: 33955014, 25464108), and was absent from large population studies. This variant has also been reported in ClinVar (Variation ID: 209131) and has been interpreted as pathogenic by several labs. This variant was found to be de novo in 1 individual with confirmed paternity and maternity (PMID: 35330407), and was assumed de novo in 1 individual, but maternity and paternity have not been confirmed (PMID: 27605097). This variant is predicted to cause a frameshift, which alters the protein’s amino acid sequence beginning at position 800 and leads to a premature termination codon 62 amino acids downstream. This alteration is then predicted to lead to a truncated or absent protein. Heterozygous loss of function of the ANKRD11 gene is an established disease mechanism in KBG syndrome. In summary, this variant meets criteria to be classified as pathogenic for autosomal dominant KBG syndrome. ACMG/AMP Criteria applied: PVS1, PS4_moderate, PM2_supporting, PS2_supporting, PP1 (Richards 2015).

Institute of Human Genetics, University of Leipzig Medical Center
Classification: Pathogenic for KBG syndrome. Last evaluated: 2025-12-16. Review status: criteria provided, single submitter. Criteria: ACMG Guidelines, 2015. Collection method: clinical testing. Allele origin: unknown. Inheritance: Autosomal dominant inheritance. Affected: yes.
Comment: Criteria applied: PVS1,PS2_VSTR,PS4

Victorian Clinical Genetics Services, Murdoch Childrens Research Institute
Classification: Pathogenic for KBG syndrome. Last evaluated: 2025-03-19. Review status: criteria provided, single submitter. Criteria: ACMG Guidelines, 2015. Collection method: clinical testing. Allele origin: germline. Affected: yes.
Comment: This variant is classified as Pathogenic. Evidence in support of pathogenic classification: Variant is predicted to cause nonsense-mediated decay (NMD) and loss of protein (premature termination codon is located at least 54 nucleotides upstream of the final exon-exon junction); Variant is present in gnomAD <0.001 for a dominant condition (v4: 2 heterozygote(s), 0 homozygote(s)) ; This variant has strong previous evidence of pathogenicity in unrelated individuals. This variant has been classified as pathogenic by multiple clinical laboratories (ClinVar). In addition, it has been reported in de novo individuals with KBG syndrome and has been seen to segregate within an affected family (PMIDs: 25464108, 27605097; DECIPHER); Other NMD-predicted variants comparable to the one identified in this case have very strong previous evidence for pathogenicity. These variants are often de novo, and have been reported many times as pathogenic in individuals with KBG syndrome (DECIPHER). Additional information: This variant is heterozygous; This gene is associated with autosomal dominant disease; Loss of function is a known mechanism of disease in this gene and is associated with KBG syndrome (MIM#148050); Variants in this gene are known to have variable expressivity. Intrafamilial variability is commonly reported (PMID: 29258554) - Inheritance information for this variant is not currently available in this individual.

Variantyx, Inc.
Classification: Pathogenic for KBG syndrome. Last evaluated: 2025-03-18. Review status: criteria provided, single submitter. Criteria: Variantyx Assertion Criteria 2022. Collection method: clinical testing. Allele origin: germline. Affected: yes.
Comment: This is a frameshift variant in the ANKRD11 gene (OMIM: 611192). Pathogenic variants in this gene have been associated with autosomal dominant KBG syndrome. This variant likely occurred de novo in individual(s) from the published literature; however, the possibility of parental germline mosaicism cannot be excluded (PMID: 27605097) (PS2_Supporting). This variant introduces a premature termination codon in exon 9 out of 13. It is expected to result in loss of function, which is a known disease mechanism for ANKRD11 in this disorder (PMID: 21782149, 35330407, 28422132) (PVS1). This variant has been reported in several unrelated affected individuals (PMID: 25464108 ) (PS4). This variant has a 0.0003% maximum allele frequency in non-founder control populations (PM2_Supporting). Based on the current evidence, this variant is classified as pathogenic for autosomal dominant KBG syndrome.

Dasa
Classification: Pathogenic. Last evaluated: 2025-02-02. Review status: criteria provided, single submitter. Criteria: DASA Assertion Criteria. Collection method: clinical testing. Allele origin: germline.
Comment: NM_013275.6(ANKRD11):c.2398_2401del (p.Glu800Asnfs*62) is a frameshift variant in ANKRD11 predicted to alter the reading frame and introduce a premature termination codon and is predicted to result in an absent or altered protein product. Loss of function is an established disease mechanism for ANKRD11 (PMID: 21782149; PMID: 35330407; PMID: 28422132). This variant has been recurrently observed in individuals with ANKRD11-related disorders (PMID: 25464108; PMID: 27605097). Segregation data support an association with disease in the reported family/families (PMID: 25464108). Also, this variant is rare in population databases. Based on the currently available evidence, this variant is classified as pathogenic.

Center of Human Genetics, Hôpital Erasme
Classification: Pathogenic for KBG syndrome. Last evaluated: 2025-01-01. Review status: criteria provided, single submitter. Criteria: ACMG Guidelines, 2015. Collection method: clinical testing. Allele origin: de novo. Affected: yes.

3billion
Classification: Pathogenic for KBG syndrome. Last evaluated: 2024-11-22. Review status: criteria provided, single submitter. Criteria: ACMG Guidelines, 2015. Collection method: clinical testing. Allele origin: germline. Affected: yes.
Comment: The variant is observed at an extremely low frequency in the gnomAD v4.1.0 dataset (total allele frequency: <0.001%). Predicted Consequence/Location: Frameshift: predicted to result in a loss or disruption of normal protein function through nonsense-mediated decay (NMD) or protein truncation. Multiple pathogenic variants are reported downstream of the variant. The variant has been reported at least twice as pathogenic with clinical assertions and evidence for the classification (ClinVar ID: VCV000209131 /PMID: 25464108 /3billion dataset). Therefore, this variant is classified as Pathogenic according to the recommendation of ACMG/AMP guideline.

Laboratory for Molecular Medicine, Mass General Brigham Personalized Medicine
Classification: Pathogenic for KBG syndrome. Last evaluated: 2023-08-16. Review status: criteria provided, single submitter. Criteria: ACMG Guidelines, 2015. Collection method: clinical testing. Allele origin: germline. Inheritance: Autosomal dominant inheritance.
Comment: The p.Glu800AsnfsX62 (c.2398_2401delGAAA) variant in ANKRD11 has been reported in 5 probands with KBG syndrome, including as a de novo variant in 2 probands (Goldenberg 2016 PMID: 27605097, Gao 2022 PMID: 35330407, Kim 2015 PMID: 25464108, Parenti 2021 PMID: 33955014, Bestetti 2022 PMID: 35682590). Additionally, it segregated with disease in 3 affected individuals from 2 families (Kim 2015 PMID: 25464108, Parenti 2021 PMID: 33955014). This variant is absent from large population studies (gnomAD v3.2.1). It has also been reported in ClinVar (Variation ID: 209131). This variant is predicted to cause a frameshift, which alters the protein’s amino acid sequence beginning at position 800 and leads to a premature termination codon 62 amino acids downstream. This alteration is then predicted to lead to a truncated or absent protein. Loss of function of ANKRD11 is an established disease mechanism in autosomal dominant KBG syndrome. In summary, this variant meets criteria to be classified as pathogenic for autosomal dominant KBG syndrome. ACMG/AMP Criteria applied: PVS1, PS4, PM6_Strong, PM2_Supporting, PP1.

NM_013275.6(ANKRD11):c.2398_2401del (p.Glu800fs)

Gene: ANKRD11 (ankyrin repeat domain 11; minus strand). Cytogenetic location: 16q24.3.
Variant type: Deletion.
Coding change: c.2398_2401del on transcript NM_013275.6 (MANE Select); coding-DNA positions 2398 to 2401, 4 bases deleted (GAAA; older notation c.2398_2401delGAAA).
Protein change: p.Glu800fs; shifts the reading frame from glutamic acid 800.
Molecular consequence: frameshift variant.
Genome position (GRCh38, 1-based): chr16:89,284,141-89,284,144, TTTC deleted on the plus strand (GAAA on the coding strand, the reverse complement: ANKRD11 is on the minus strand); deleting any 4 consecutive bases within chr16:89,284,141-89,284,147 gives the same sequence; the c. name uses the placement nearest the transcript's 3' end. VCF-style (leftmost placement, unchanged base first): chr16-89284140-TTTTC-T. GRCh37 (hg19) VCF-style: chr16-89350548-TTTTC-T.
Other names: NM_013275.6(ANKRD11):c.2398_2401del; p.Glu800fs; NP_037407.4:p.(Glu800AsnfsTer62); c.2398_2401delGAAA (NM_013275.5, NM_013275.6, NM_013275.4 and 2 more transcripts); c.2398_2401del (NM_001256182.1, NM_001256183.1); c.2398_2401del, p.Glu800fs (NM_001256182.2, NM_001256183.2); short protein forms E800fs.
Identifiers: ClinVar variation 209131 (VCV000209131.77), dbSNP rs797045027, ClinGen allele CA250332.